The following is an entry in ClinVar:

NM_014014.5(SNRNP200):c.1886A>G (p.Glu629Gly)

Gene: SNRNP200 (small nuclear ribonucleoprotein U5 subunit 200; minus strand). Cytogenetic location: 2q11.2.
Variant type: single nucleotide variant.
Coding change: c.1886A>G on transcript NM_014014.5 (MANE Select); coding-DNA position 1886, A replaced by G.
Protein change: p.Glu629Gly; replaces glutamic acid 629 with glycine.
Molecular consequence: missense variant.
Genome position (GRCh38, 1-based): chr2:96,293,466, T>C on the plus strand (A>G on the coding strand, the complement: SNRNP200 is on the minus strand). VCF-style: chr2-96293466-T-C. GRCh37 (hg19) VCF-style: chr2-96959204-T-C.
Other names: short protein forms E629G.
Identifiers: ClinVar variation 1401437 (VCV001401437.6), dbSNP rs2104352526, ClinGen allele CA347680482.
Genomic context (GRCh38, chr2:96,293,466, plus strand): 5'-ATGAGTCGGACATCCTCTTGGGTCATCTCAATGTTTCGGATGGCCCTGGCCACTAAAGCT[T>C]CTAAGACAGGACCTCTGTCATCGTGGAGAAGATGAATCTCATCCTACGGAATTGGAGGAC-3'
Protein context (NP_054733.2, residues 619-639): LLHDDRGPVL[Glu629Gly]ALVARAIRNI

ClinVar aggregate classification (germline): Uncertain significance (1 of 4 stars; one submission).

Submission:

Labcorp Genetics (formerly Invitae), Labcorp
Classification: Uncertain significance. Last evaluated: 2024-10-16. Review status: criteria provided, single submitter. Criteria: Invitae Variant Classification Sherloc (09022015). Collection method: clinical testing. Allele origin: germline.
Comment: This sequence change replaces glutamic acid, which is acidic and polar, with glycine, which is neutral and non-polar, at codon 629 of the SNRNP200 protein (p.Glu629Gly). This variant is not present in population databases (gnomAD no frequency). This variant has not been reported in the literature in individuals affected with SNRNP200-related conditions. ClinVar contains an entry for this variant (Variation ID: 1401437). Invitae Evidence Modeling of protein sequence and biophysical properties (such as structural, functional, and spatial information, amino acid conservation, physicochemical variation, residue mobility, and thermodynamic stability) indicates that this missense variant is expected to disrupt SNRNP200 protein function with a positive predictive value of 95%. In summary, the available evidence is currently insufficient to determine the role of this variant in disease. Therefore, it has been classified as a Variant of Uncertain Significance.